The following is an entry in ClinVar:

ClinVar aggregate classification (germline): Uncertain significance (1 of 4 stars; one submission).

Allele frequency attached by ClinVar (database versions not stated): gnomAD exomes below 0.00001 and 0.00001; TOPMed 0.00001.
gnomAD v4.1: 4 of 1,596,470 alleles (0.00025%); highest among the groups gnomAD compares: Admixed American, 0.0052%; no homozygotes.

Submission:

Labcorp Genetics (formerly Invitae), Labcorp
Classification: Uncertain significance. Last evaluated: 2021-12-25. Review status: criteria provided, single submitter. Criteria: Invitae Variant Classification Sherloc (09022015). Collection method: clinical testing. Allele origin: germline.
Comment: This sequence change replaces serine, which is neutral and polar, with phenylalanine, which is neutral and non-polar, at codon 93 of the TSEN54 protein (p.Ser93Phe). This variant is present in population databases (no rsID available, gnomAD 0.01%). This variant has not been reported in the literature in individuals affected with TSEN54-related conditions. Algorithms developed to predict the effect of missense changes on protein structure and function are either unavailable or do not agree on the potential impact of this missense change (SIFT: "Deleterious"; PolyPhen-2: "Probably Damaging"; Align-GVGD: "Class C0"). In summary, the available evidence is currently insufficient to determine the role of this variant in disease. Therefore, it has been classified as a Variant of Uncertain Significance.

NM_207346.3(TSEN54):c.278C>T (p.Ser93Phe)

Gene: TSEN54 (tRNA splicing endonuclease subunit 54; plus strand). Cytogenetic location: 17q25.1.
Variant type: single nucleotide variant.
Coding change: c.278C>T on transcript NM_207346.3 (MANE Select); coding-DNA position 278, C replaced by T.
Protein change: p.Ser93Phe; replaces serine 93 with phenylalanine.
Molecular consequence: missense variant.
Genome position (GRCh38, 1-based): chr17:75,517,065, C>T. VCF-style: chr17-75517065-C-T. GRCh37 (hg19) VCF-style: chr17-73513146-C-T.
Other names: short protein forms S93F.
Identifiers: ClinVar variation 1518257 (VCV001518257.5), dbSNP rs1289867668, ClinGen allele CA401027378.